The following is an entry in ClinVar:

NM_005431.2(XRCC2):c.703G>C (p.Val235Leu)

Gene: XRCC2 (X-ray repair cross complementing 2; minus strand). Cytogenetic location: 7q36.1.
Variant type: single nucleotide variant.
Coding change: c.703G>C on transcript NM_005431.2 (MANE Select); coding-DNA position 703, G replaced by C.
Protein change: p.Val235Leu; replaces valine 235 with leucine.
Molecular consequence: missense variant.
Genome position (GRCh38, 1-based): chr7:152,648,782, C>G on the plus strand (G>C on the coding strand, the complement: XRCC2 is on the minus strand). VCF-style: chr7-152648782-C-G. GRCh37 (hg19) VCF-style: chr7-152345867-C-G.
Other names: short protein forms V235L.
Identifiers: ClinVar variation 826794 (VCV000826794.5), dbSNP rs1590129276, ClinGen allele CA370198131.

ClinVar aggregate classification (germline): Uncertain significance (1 of 4 stars; one submission).

Conditions:
Hereditary cancer-predisposing syndrome. Also called: Neoplastic Syndromes, Hereditary; Tumor predisposition; Hereditary neoplastic syndrome; Hereditary Cancer Syndrome. Identifiers: Orphanet 140162, MedGen C0027672, MeSH D009386, MONDO:0015356.

gnomAD v4.1: 2 of 1,614,152 alleles (0.00012%); highest among the groups gnomAD compares: Non-Finnish European, 0.00017%; no homozygotes.

Submission:

Ambry Genetics
Classification: Uncertain significance for Hereditary cancer-predisposing syndrome. Last evaluated: 2025-02-01. Review status: criteria provided, single submitter. Criteria: Ambry Variant Classification Scheme 2023. Collection method: clinical testing. Allele origin: germline.
Comment: The p.V235L variant (also known as c.703G>C), located in coding exon 3 of the XRCC2 gene, results from a G to C substitution at nucleotide position 703. The valine at codon 235 is replaced by leucine, an amino acid with highly similar properties. This amino acid position is highly conserved in available vertebrate species. In addition, this alteration is predicted to be tolerated by in silico analysis. Since supporting evidence is limited at this time, the clinical significance of this alteration remains unclear.